The following is an entry in ClinVar:

ClinVar aggregate classification (germline): Pathogenic (1 of 4 stars; one submission).

Conditions:
Niemann-Pick disease, type C1. Also called: NEUROVISCERAL STORAGE DISEASE WITH VERTICAL SUPRANUCLEAR OPHTHALMOPLEGIA; NIEMANN-PICK DISEASE WITH CHOLESTEROL ESTERIFICATION BLOCK; NIEMANN-PICK DISEASE WITHOUT SPHINGOMYELINASE DEFICIENCY; NIEMANN-PICK DISEASE, CHRONIC NEURONOPATHIC FORM; NIEMANN-PICK DISEASE, VARIANT TYPE C1. Identifiers: Orphanet 646, MedGen C3179455, MONDO:0009757, OMIM 257220.

Submission:

Labcorp Genetics (formerly Invitae), Labcorp
Classification: Pathogenic for Niemann-Pick disease, type C1. Last evaluated: 2022-07-26. Review status: criteria provided, single submitter. Criteria: Invitae Variant Classification Sherloc (09022015). Collection method: clinical testing. Allele origin: germline.
Comment: This variant has not been reported in the literature in individuals affected with NPC1-related conditions. This sequence change creates a premature translational stop signal (p.Asp960Glyfs*5) in the NPC1 gene. It is expected to result in an absent or disrupted protein product. Loss-of-function variants in NPC1 are known to be pathogenic (PMID: 9211850). This variant is not present in population databases (gnomAD no frequency). For these reasons, this variant has been classified as Pathogenic.

Literature cited by the submitters: PubMed 9211850.

NM_000271.5(NPC1):c.2878dup (p.Asp960fs)

Gene: NPC1 (NPC intracellular cholesterol transporter 1; minus strand). Cytogenetic location: 18q11.2.
Variant type: Duplication.
Coding change: c.2878dup on transcript NM_000271.5 (MANE Select); coding-DNA position 2878, one base duplicated (G; older notation c.2878dupG).
Protein change: p.Asp960fs; shifts the reading frame from aspartic acid 960.
Molecular consequence: frameshift variant.
Genome position (GRCh38, 1-based): chr18:23,539,388, C duplicated on the plus strand (G on the coding strand, the reverse complement: NPC1 is on the minus strand); the first of 2 consecutive C bases (chr18:23,539,388-23,539,389); duplicating either gives the same sequence. VCF-style (leftmost placement, unchanged base first): chr18-23539387-T-TC. GRCh37 (hg19) VCF-style: chr18-21119351-T-TC.
Other names: short protein forms D960fs.
Identifiers: ClinVar variation 2017066 (VCV002017066.4), dbSNP rs2511210153, ClinGen allele CA2580095515.